The following is an entry in ClinVar:

NM_005188.4(CBL):c.2461G>A (p.Glu821Lys)

Gene: CBL (Cbl proto-oncogene; plus strand). Cytogenetic location: 11q23.3.
Variant type: single nucleotide variant.
Coding change: c.2461G>A on transcript NM_005188.4 (MANE Select); coding-DNA position 2461, G replaced by A.
Protein change: p.Glu821Lys; replaces glutamic acid 821 with lysine.
Molecular consequence: missense variant.
Genome position (GRCh38, 1-based): chr11:119,299,521, G>A. VCF-style: chr11-119299521-G-A. GRCh37 (hg19) VCF-style: chr11-119170231-G-A.
Other names: short protein forms E821K.
Identifiers: ClinVar variation 578180 (VCV000578180.10), dbSNP rs759358775, ClinGen allele CA6318792.

ClinVar aggregate classification (germline): Uncertain significance (1 of 4 stars; one submission).

Conditions:
RASopathy. Also called: Noonan spectrum disorder; rasopathies. Identifiers: Orphanet 536391, MedGen C5555857, MONDO:0021060.

Allele frequency attached by ClinVar (database versions not stated): ExAC 0.00002; gnomAD exomes 0.00003; TOPMed 0.00003; gnomAD 0.00005 and 0.00006.
gnomAD v4.1: 20 of 1,613,960 alleles (0.0012%); highest among the groups gnomAD compares: African/African-American, 0.0094%; no homozygotes.

Submission:

Labcorp Genetics (formerly Invitae), Labcorp
Classification: Uncertain significance for RASopathy. Last evaluated: 2025-03-10. Review status: criteria provided, single submitter. Criteria: Invitae Variant Classification Sherloc (09022015). Collection method: clinical testing. Allele origin: germline.
Comment: This sequence change replaces glutamic acid, which is acidic and polar, with lysine, which is basic and polar, at codon 821 of the CBL protein (p.Glu821Lys). This variant is present in population databases (rs759358775, gnomAD 0.01%). This variant has not been reported in the literature in individuals affected with CBL-related conditions. ClinVar contains an entry for this variant (Variation ID: 578180). Invitae Evidence Modeling of protein sequence and biophysical properties (such as structural, functional, and spatial information, amino acid conservation, physicochemical variation, residue mobility, and thermodynamic stability) indicates that this missense variant is not expected to disrupt CBL protein function with a negative predictive value of 95%. In summary, the available evidence is currently insufficient to determine the role of this variant in disease. Therefore, it has been classified as a Variant of Uncertain Significance.